The following is an entry in ClinVar:

NM_007294.4(BRCA1):c.2945del (p.Pro982fs)

Gene: BRCA1 (BRCA1 DNA repair associated; minus strand). Cytogenetic location: 17q21.31.
Variant type: Deletion.
Coding change: c.2945del on transcript NM_007294.4 (MANE Select); coding-DNA position 2945, one base deleted (C; older notation c.2945delC).
Protein change: p.Pro982fs; shifts the reading frame from proline 982.
Molecular consequence: frameshift variant. On other transcripts: intron variant (137).
Genome position (GRCh38, 1-based): chr17:43,092,586, G deleted on the plus strand (C on the coding strand, the reverse complement: BRCA1 is on the minus strand); the first of 2 consecutive G bases (chr17:43,092,586-43,092,587); deleting either gives the same sequence. VCF-style (leftmost placement, unchanged base first): chr17-43092585-TG-T. GRCh37 (hg19) VCF-style: chr17-41244602-TG-T.
Other names: c.2945delC (NM_007294.3); c.2732del, p.Pro911fs (NM_001407571.1, NM_001407853.1, NM_001407894.1 and 9 more transcripts); c.2945del, p.Pro982fs (NM_001407581.1, NM_001407582.1, NM_001407583.1 and 30 more transcripts); c.2942del, p.Pro981fs (NM_001407587.1, NM_001407590.1, NM_001407591.1 and 22 more transcripts); c.2936del, p.Pro979fs (NM_001407646.1, NM_001407647.1); c.2822del, p.Pro941fs (NM_001407648.1, NM_001407664.1, NM_001407665.1 and 19 more transcripts); c.2819del, p.Pro940fs (NM_001407649.1, NM_001407670.1, NM_001407671.1 and 11 more transcripts); c.2867del, p.Pro956fs (NM_001407653.1, NM_001407654.1, NM_001407655.1 and 4 more transcripts); and 42 more; short protein forms P982fs, P935fs, P854fs, P894fs, P855fs, P870fs, P871fs, P912fs.
Identifiers: ClinVar variation 182109 (VCV000182109.10), dbSNP rs730881461, ClinGen allele CA001923.

ClinVar aggregate classification (germline): Pathogenic. Review status: reviewed by expert panel (3 of 4 stars). 3 submissions from 3 submitters: Pathogenic (1). 2 of the submissions do not count toward it. Last evaluated 2016-09-08.

Conditions:
Hereditary breast ovarian cancer syndrome. Also called: Hereditary breast and ovarian cancer syndrome; Hereditary breast and ovarian cancer syndrome (HBOC); BRCA1- and BRCA2-Associated Hereditary Breast and Ovarian Cancer; Breast and ovarian cancer; Hereditary breast and ovarian cancer; Hereditary breast and/or ovarian cancer syndrome. Identifiers: Orphanet 145, MedGen C0677776, MeSH D061325, MONDO:0003582. Disease mechanism: loss of function.
Breast-ovarian cancer, familial, susceptibility to, 1 (BROVCA1). Also called: OVARIAN CANCER, SUSCEPTIBILITY TO; BRCA1 Hereditary Breast and Ovarian Cancer. Identifiers: Orphanet 145, MedGen C2676676, MONDO:0011450, OMIM 604370. Disease mechanism: loss of function.

Submissions (3):

Evidence-based Network for the Interpretation of Germline Mutant Alleles (ENIGMA)
Classification: Pathogenic for Breast-ovarian cancer, familial, susceptibility to, 1. Last evaluated: 2016-09-08. Review status: reviewed by expert panel. Criteria: ENIGMA BRCA1/2 Classification Criteria (2015). Collection method: curation. Allele origin: germline.
Comment: Variant allele predicted to encode a truncated non-functional protein.

Labcorp Genetics (formerly Invitae), Labcorp
Classification: Pathogenic for Hereditary breast ovarian cancer syndrome. Last evaluated: 2022-02-07. Review status: criteria provided, single submitter. Criteria: Invitae Variant Classification Sherloc (09022015). Collection method: clinical testing. Allele origin: germline. Not counted in ClinVar's aggregate classification.
Comment: For these reasons, this variant has been classified as Pathogenic. ClinVar contains an entry for this variant (Variation ID: 182109). This premature translational stop signal has been observed in individual(s) with breast and/or ovarian cancer (PMID: 31742824, 32029870). This variant is not present in population databases (gnomAD no frequency). This sequence change creates a premature translational stop signal (p.Pro982Hisfs*18) in the BRCA1 gene. It is expected to result in an absent or disrupted protein product. Loss-of-function variants in BRCA1 are known to be pathogenic (PMID: 20104584).

GeneDx
Classification: Pathogenic. Last evaluated: 2014-09-12. Review status: criteria provided, single submitter. Criteria: GeneDx Variant Classification (06012015). Collection method: clinical testing. Allele origin: germline. Affected: yes. Not counted in ClinVar's aggregate classification.
Comment: This deletion of one nucleotide in BRCA1 is denoted c.2945delC at the cDNA level and p.Pro982HisfsX18 (P982HfsX18) at the protein level. The normal sequence, with the bases that are deleted in brackets, is CCAC[C]ACTT. The deletion causes a frameshift, which changes a Proline to a Histidine at codon 982, and creates a premature stop codon at position 18 of the new reading frame. Although this variant has not, to our knowledge, been reported in the literature, it is predicted to cause loss of normal protein function through either protein truncation or nonsense-mediated mRNA decay. we consider this variant to be pathogenic.

Literature cited by the submitters: PubMed 31742824 (cited by Labcorp Genetics (formerly Invitae), Labcorp); PubMed 32029870 (cited by Labcorp Genetics (formerly Invitae), Labcorp); PubMed 20104584 (cited by Labcorp Genetics (formerly Invitae), Labcorp).